The following is an entry in ClinVar:

ClinVar aggregate classification (germline): Uncertain significance. Review status: criteria provided, multiple submitters, no conflicts (2 of 4 stars). 2 submissions from 2 submitters: Uncertain significance (2). Last evaluated 2023-03-01.

Allele frequency attached by ClinVar (database versions not stated): gnomAD 0.00001; gnomAD exomes 0.00001; 1000 Genomes Project 30x 0.00016; 1000 Genomes Project 0.00020.
gnomAD v4.1: 15 of 1,555,662 alleles (0.00096%); highest among the groups gnomAD compares: South Asian, 0.0071%; no homozygotes.

Submissions (2):

CeGaT Center for Human Genetics Tuebingen
Classification: Uncertain significance. Last evaluated: 2023-03-01. Review status: criteria provided, single submitter. Criteria: CeGaT Center For Human Genetics Tuebingen Variant Classification Criteria Version 2. Collection method: clinical testing. Allele origin: germline. Affected: yes. Observed: 1 variant allele.
Comment: WDR1: PM2

Labcorp Genetics (formerly Invitae), Labcorp
Classification: Uncertain significance. Last evaluated: 2022-08-20. Review status: criteria provided, single submitter. Criteria: Invitae Variant Classification Sherloc (09022015). Collection method: clinical testing. Allele origin: germline.
Comment: This sequence change replaces aspartic acid, which is acidic and polar, with asparagine, which is neutral and polar, at codon 234 of the WDR1 protein (p.Asp234Asn). This variant is not present in population databases (gnomAD no frequency). This variant has not been reported in the literature in individuals affected with WDR1-related conditions. Algorithms developed to predict the effect of missense changes on protein structure and function (SIFT, PolyPhen-2, Align-GVGD) all suggest that this variant is likely to be tolerated. In summary, the available evidence is currently insufficient to determine the role of this variant in disease. Therefore, it has been classified as a Variant of Uncertain Significance.

NM_017491.5(WDR1):c.700G>A (p.Asp234Asn)

Gene: WDR1 (WD repeat domain 1; minus strand). Cytogenetic location: 4p16.1.
Variant type: single nucleotide variant.
Coding change: c.700G>A on transcript NM_017491.5 (MANE Select); coding-DNA position 700, G replaced by A.
Protein change: p.Asp234Asn; replaces aspartic acid 234 with asparagine.
Molecular consequence: missense variant.
Genome position (GRCh38, 1-based): chr4:10,088,310, C>T on the plus strand (G>A on the coding strand, the complement: WDR1 is on the minus strand). VCF-style: chr4-10088310-C-T. GRCh37 (hg19) VCF-style: chr4-10089934-C-T.
Other names: c.280G>A, p.Asp94Asn (NM_005112.5); short protein forms D234N, D94N.
Identifiers: ClinVar variation 1967473 (VCV001967473.30), dbSNP rs545497657, ClinGen allele CA92233111.